The following is an entry in ClinVar:

NM_153704.6(TMEM67):c.1048G>A (p.Glu350Lys)

Gene: TMEM67 (transmembrane protein 67; plus strand). Cytogenetic location: 8q22.1.
Variant type: single nucleotide variant.
Coding change: c.1048G>A on transcript NM_153704.6 (MANE Select); coding-DNA position 1048, G replaced by A.
Protein change: p.Glu350Lys; replaces glutamic acid 350 with lysine.
Molecular consequence: missense variant. On other transcripts: non-coding transcript variant (1).
Genome position (GRCh38, 1-based): chr8:93,781,727, G>A. VCF-style: chr8-93781727-G-A. GRCh37 (hg19) VCF-style: chr8-94793955-G-A.
Other names: c.805G>A, p.Glu269Lys (NM_001142301.1); short protein forms E350K, E269K.
Identifiers: ClinVar variation 2164050 (VCV002164050.2), dbSNP rs779107354, ClinGen allele CA4807853.

ClinVar aggregate classification (germline): Uncertain significance. Review status: criteria provided, single submitter (1 of 4 stars). 2 submissions from 2 submitters: Uncertain significance (1). 1 of the submissions does not count toward it. Last evaluated 2022-10-13.

Conditions:
TMEM67-related disorder. Also called: TMEM67-related condition; TMEM67-related disorders. Identifiers: MedGen CN239423.
Joubert syndrome. Also called: JOUBERT-BOLTSHAUSER SYNDROME; Familial aplasia of the vermis. Identifiers: Orphanet 475, MedGen C5979921, MONDO:0018772.
Meckel-Gruber syndrome. Also called: DYSENCEPHALIA SPLANCHNOCYSTICA; GRUBER SYNDROME; Dysencephalia splachnocystica. Identifiers: Orphanet 564, MedGen C0265215, MONDO:0018921.

Allele frequency attached by ClinVar (database versions not stated): ExAC 0.00002; TOPMed 0.00002; gnomAD 0.00003.

Submissions (2):

Labcorp Genetics (formerly Invitae), Labcorp
Classification: Uncertain significance for Joubert syndrome; Meckel-Gruber syndrome. Last evaluated: 2022-10-13. Review status: criteria provided, single submitter. Criteria: Invitae Variant Classification Sherloc (09022015). Collection method: clinical testing. Allele origin: germline.
Comment: This sequence change replaces glutamic acid, which is acidic and polar, with lysine, which is basic and polar, at codon 350 of the TMEM67 protein (p.Glu350Lys). This variant is present in population databases (rs779107354, gnomAD 0.01%). This variant has not been reported in the literature in individuals affected with TMEM67-related conditions. Advanced modeling of protein sequence and biophysical properties (such as structural, functional, and spatial information, amino acid conservation, physicochemical variation, residue mobility, and thermodynamic stability) has been performed at Invitae for this missense variant, however the output from this modeling did not meet the statistical confidence thresholds required to predict the impact of this variant on TMEM67 protein function. In summary, the available evidence is currently insufficient to determine the role of this variant in disease. Therefore, it has been classified as a Variant of Uncertain Significance.

PreventionGenetics, part of Exact Sciences
Classification: Uncertain significance for TMEM67-related condition. Last evaluated: 2024-07-18. Review status: no assertion criteria provided. Collection method: clinical testing. Allele origin: germline. Not counted in ClinVar's aggregate classification.
Comment: The TMEM67 c.1048G>A variant is predicted to result in the amino acid substitution p.Glu350Lys. To our knowledge, this variant has not been reported in the literature. This variant is reported in 0.012% of alleles in individuals of African descent in gnomAD. At this time, the clinical significance of this variant is uncertain due to the absence of conclusive functional and genetic evidence.